The following is an entry in ClinVar:

ClinVar aggregate classification (germline): Uncertain significance (1 of 4 stars; one submission).

Allele frequency attached by ClinVar (database versions not stated): gnomAD exomes below 0.00001.
gnomAD v4.1: 3 of 1,613,490 alleles (0.00019%); highest among the groups gnomAD compares: Non-Finnish European, 0.00017%; no homozygotes.

Submission:

CeGaT Center for Human Genetics Tuebingen
Classification: Uncertain significance. Last evaluated: 2022-06-01. Review status: criteria provided, single submitter. Criteria: CeGaT Center For Human Genetics Tuebingen Variant Classification Criteria Version 2. Collection method: clinical testing. Allele origin: germline. Affected: yes. Observed: 1 variant allele.
Comment: DNAAF4: PM2

NM_130810.4(DNAAF4):c.302A>G (p.Glu101Gly)

Genes: DNAAF4 (dynein axonemal assembly factor 4; minus strand), DNAAF4-CCPG1 (DNAAF4-CCPG1 readthrough (NMD candidate); minus strand). Cytogenetic location: 15q21.3.
Variant type: single nucleotide variant.
Coding change: c.302A>G on transcript NM_130810.4 (MANE Select); coding-DNA position 302, A replaced by G.
Protein change: p.Glu101Gly; replaces glutamic acid 101 with glycine.
Molecular consequence: missense variant. On other transcripts: non-coding transcript variant (1).
Genome position (GRCh38, 1-based): chr15:55,491,226, T>C on the plus strand (A>G on the coding strand, the complement: DNAAF4 is on the minus strand). VCF-style: chr15-55491226-T-C. GRCh37 (hg19) VCF-style: chr15-55783424-T-C.
Other names: c.302A>G, p.Glu101Gly (NM_001033559.3, NM_001033560.2); short protein forms E101G.
Identifiers: ClinVar variation 2645367 (VCV002645367.24), dbSNP rs2543596259, ClinGen allele CA392551590.